The following is an entry in ClinVar:

ClinVar aggregate classification (germline): Benign (1 of 4 stars; one submission).

Allele frequency attached by ClinVar (database versions not stated): gnomAD 0.58409 and 0.59314; TOPMed 0.60302; 1000 Genomes Project 30x 0.68770; 1000 Genomes Project 0.69349.
gnomAD v4.1: 90,012 of 152,050 alleles (59%); highest among the groups gnomAD compares: East Asian, 94%; 27,105 homozygotes.

Submission:

GeneDx
Classification: Benign. Last evaluated: 2018-06-14. Review status: criteria provided, single submitter. Criteria: GeneDx Variant Classification (06012015). Collection method: clinical testing. Allele origin: germline. Affected: yes.
Comment: This variant is considered likely benign or benign based on one or more of the following criteria: it is a conservative change, it occurs at a poorly conserved position in the protein, it is predicted to be benign by multiple in silico algorithms, and/or has population frequency not consistent with disease.

NM_017617.5(NOTCH1):c.6180+284G>A

Genes: NOTCH1 (notch receptor 1; minus strand), LOC126860794 (BRD4-independent group 4 enhancer GRCh37_chr9:139392592-139393791; plus strand). Cytogenetic location: 9q34.3.
Variant type: single nucleotide variant.
Coding change: c.6180+284G>A on transcript NM_017617.5 (MANE Select); 284 bases into the intron after coding-DNA position 6180, G replaced by A.
Molecular consequence: intron variant.
Genome position (GRCh38, 1-based): chr9:136,498,615, C>T on the plus strand (G>A on the coding strand, the complement: NOTCH1 is on the minus strand). VCF-style: chr9-136498615-C-T. GRCh37 (hg19) VCF-style: chr9-139393067-C-T.
Identifiers: ClinVar variation 680690 (VCV000680690.1), dbSNP rs7852557, ClinGen allele CA13041475.